The following is an entry in ClinVar:

NM_152594.3(SPRED1):c.190C>T (p.Arg64Ter)

Gene: SPRED1 (sprouty related EVH1 domain containing 1; plus strand). Cytogenetic location: 15q14.
Variant type: single nucleotide variant.
Coding change: c.190C>T on transcript NM_152594.3 (MANE Select); coding-DNA position 190, C replaced by T.
Protein change: p.Arg64Ter; replaces arginine 64 with a stop codon.
Molecular consequence: nonsense.
Genome position (GRCh38, 1-based): chr15:38,299,530, C>T. VCF-style: chr15-38299530-C-T. GRCh37 (hg19) VCF-style: chr15-38591731-C-T.
Other names: short protein forms R64*.
Identifiers: ClinVar variation 1813 (VCV000001813.11), dbSNP rs121434315, ClinGen allele CA251955.

ClinVar aggregate classification (germline): Pathogenic. Review status: criteria provided, multiple submitters, no conflicts (2 of 4 stars). 5 submissions from 5 submitters: Pathogenic (4). 1 of the submissions does not count toward it. Last evaluated 2025-12-17.

Conditions:
SPRED1-related disorder. Also called: SPRED1-related condition.
Legius syndrome. Identifiers: Orphanet 137605, MedGen C1969623, MONDO:0012669, OMIM 611431. Disease mechanism: loss of function.

Allele frequency attached by ClinVar (database versions not stated): gnomAD exomes below 0.00001.
gnomAD v4.1: 1 of 1,613,728 alleles (0.000062%); highest among the groups gnomAD compares: Non-Finnish European, 0.000085%; no homozygotes.

Submissions (5):

Labcorp Genetics (formerly Invitae), Labcorp
Classification: Pathogenic for Legius syndrome. Last evaluated: 2025-12-17. Review status: criteria provided, single submitter. Criteria: Invitae Variant Classification Sherloc (09022015). Collection method: clinical testing. Allele origin: germline.
Comment: This sequence change creates a premature translational stop signal (p.Arg64*) in the SPRED1 gene. It is expected to result in an absent or disrupted protein product. Loss-of-function variants in SPRED1 are known to be pathogenic (PMID: 17704776). This variant is not present in population databases (gnomAD no frequency). This premature translational stop signal has been observed in individuals with Legius syndrome (PMID: 19366998). It has also been observed to segregate with disease in related individuals. Invitae Evidence Modeling of clinical and family history, age, sex, and reported ancestry of multiple individuals with this SPRED1 variant has been performed. This variant is expected to be pathogenic with a positive predictive value of at least 99%. This is a validated machine learning model that incorporates the clinical features of 198,265 individuals referred to our laboratory for SPRED1 testing. ClinVar contains an entry for this variant (Variation ID: 1813). For these reasons, this variant has been classified as Pathogenic.

GeneDx
Classification: Pathogenic. Last evaluated: 2023-08-08. Review status: criteria provided, single submitter. Criteria: GeneDx Variant Classification Process June 2021. Collection method: clinical testing. Allele origin: germline. Affected: yes.
Comment: Nonsense variant predicted to result in protein truncation or nonsense mediated decay in a gene for which loss of function is a known mechanism of disease; Not observed at significant frequency in large population cohorts (gnomAD); This variant is associated with the following publications: (PMID: 17704776, 21089071, 19366998, 27322474, 32005694)

Blueprint Genetics
Classification: Pathogenic for SPRED1-related disorders. Last evaluated: 2018-07-23. Review status: criteria provided, single submitter. Criteria: ACMG Guidelines, 2015. Collection method: clinical testing. Allele origin: germline. Affected: yes. Observed: 1 variant allele.

Center for Human Genetics, Inc
Classification: Pathogenic for Legius syndrome. Last evaluated: 2016-11-01. Review status: criteria provided, single submitter. Criteria: ACMG Guidelines, 2015. Collection method: clinical testing. Allele origin: germline. Affected: yes.

OMIM
Classification: Pathogenic for LEGIUS SYNDROME. Last evaluated: 2009-07-01. Review status: no assertion criteria provided. Collection method: literature only. Allele origin: germline. Not counted in ClinVar's aggregate classification.

Literature cited by the submitters: PubMed 17704776 (cited by Labcorp Genetics (formerly Invitae), Labcorp and OMIM); PubMed 19366998 (cited by Labcorp Genetics (formerly Invitae), Labcorp and OMIM).